The following is an entry in ClinVar:

ClinVar aggregate classification (germline): Uncertain significance (1 of 4 stars; one submission).

Submission:

CeGaT Center for Human Genetics Tuebingen
Classification: Uncertain significance. Last evaluated: 2023-08-01. Review status: criteria provided, single submitter. Criteria: CeGaT Center For Human Genetics Tuebingen Variant Classification Criteria Version 2. Collection method: clinical testing. Allele origin: germline. Affected: yes. Observed: 1 variant allele.
Comment: TNC: PM2, BP4

NM_002160.4(TNC):c.3140A>G (p.Gln1047Arg)

Gene: TNC (tenascin C; minus strand). Cytogenetic location: 9q33.1.
Variant type: single nucleotide variant.
Coding change: c.3140A>G on transcript NM_002160.4 (MANE Select); coding-DNA position 3140, A replaced by G.
Protein change: p.Gln1047Arg; replaces glutamine 1047 with arginine.
Molecular consequence: missense variant.
Genome position (GRCh38, 1-based): chr9:115,073,677, T>C on the plus strand (A>G on the coding strand, the complement: TNC is on the minus strand). VCF-style: chr9-115073677-T-C. GRCh37 (hg19) VCF-style: chr9-117835956-T-C.
Other names: c.3140A>G, p.Gln1047Arg (NM_001410991.1); short protein forms Q1047R.
Identifiers: ClinVar variation 2659457 (VCV002659457.24), dbSNP rs2540511388, ClinGen allele CA374637357.
Genomic context (GRCh38, chr9:115,073,677, plus strand): 5'-ACACGTGCGGGCTTGCTCTTGTGTCTGCCTTTCTCGGCTGTCAGGAGGACATTGTACTCC[T>C]GTCCTGGTTCCAGGCCTCTCAGGACATAGGAAGTGGTGTTTCTTGGAAGCTGCACTCCCA-3'
Protein context (NP_002151.2, residues 1037-1057): SYVLRGLEPG[Gln1047Arg]EYNVLLTAEK